The following is an entry in ClinVar:

NM_032802.4(SPPL2A):c.529G>A (p.Val177Ile)

Gene: SPPL2A (signal peptide peptidase like 2A; minus strand). Cytogenetic location: 15q21.2.
Variant type: single nucleotide variant.
Coding change: c.529G>A on transcript NM_032802.4 (MANE Select); coding-DNA position 529, G replaced by A.
Protein change: p.Val177Ile; replaces valine 177 with isoleucine.
Molecular consequence: missense variant.
Genome position (GRCh38, 1-based): chr15:50,747,550, C>T on the plus strand (G>A on the coding strand, the complement: SPPL2A is on the minus strand). VCF-style: chr15-50747550-C-T. GRCh37 (hg19) VCF-style: chr15-51039747-C-T.
Other names: short protein forms V177I.
Identifiers: ClinVar variation 2159911 (VCV002159911.4), dbSNP rs79378300, ClinGen allele CA392413636.

ClinVar aggregate classification (germline): Uncertain significance (1 of 4 stars; one submission).

Allele frequency attached by ClinVar (database versions not stated): gnomAD exomes below 0.00001.

Submission:

Labcorp Genetics (formerly Invitae), Labcorp
Classification: Uncertain significance. Last evaluated: 2025-07-14. Review status: criteria provided, single submitter. Criteria: Invitae Variant Classification Sherloc (09022015). Collection method: clinical testing. Allele origin: germline.
Comment: This sequence change replaces valine, which is neutral and non-polar, with isoleucine, which is neutral and non-polar, at codon 177 of the SPPL2A protein (p.Val177Ile). This variant is not present in population databases (gnomAD no frequency). This variant has not been reported in the literature in individuals affected with SPPL2A-related conditions. ClinVar contains an entry for this variant (Variation ID: 2159911). An algorithm developed to predict the effect of missense changes on protein structure and function outputs the following: PolyPhen-2: "Benign". The isoleucine amino acid residue is found in multiple mammalian species, which suggests that this missense change does not adversely affect protein function. In summary, the available evidence is currently insufficient to determine the role of this variant in disease. Therefore, it has been classified as a Variant of Uncertain Significance.